The following is an entry in ClinVar:

NM_000135.4(FANCA):c.4336G>A (p.Ala1446Thr)

Genes: FANCA (FA complementation group A; minus strand), ZNF276 (zinc finger protein 276; plus strand). Cytogenetic location: 16q24.3.
Variant type: single nucleotide variant.
Coding change: c.4336G>A on transcript NM_000135.4 (MANE Select); coding-DNA position 4336, G replaced by A.
Protein change: p.Ala1446Thr; replaces alanine 1446 with threonine.
Molecular consequence: missense variant. On other transcripts: 3 prime UTR variant (3), non-coding transcript variant (4).
Genome position (GRCh38, 1-based): chr16:89,738,633, C>T on the plus strand (G>A on the coding strand, the complement: FANCA is on the minus strand). VCF-style: chr16-89738633-C-T. GRCh37 (hg19) VCF-style: chr16-89805041-C-T.
Other names: c.*65G>A (NM_001286167.3); c.*387C>T (NM_001113525.2, NM_152287.4); short protein forms A1446T.
Identifiers: ClinVar variation 1905920 (VCV001905920.2), dbSNP rs772505725, ClinGen allele CA8250566.
Genomic context (GRCh38, chr16:89,738,633, plus strand): 5'-CTGGGCTGGTGTGCAGTGGCAGGTCCCGTCAGAAGAGATGAGGCTCCTGGGACAGGTCAG[C>T]GTCAGGGGCAGCCTGCTGTCTGCTCTGGAGGGCGGCGCTCACCTCTGGGTCGCAGTCCCC-3'
Protein context (NP_000126.2, residues 1436-1455): LQSRQQAAPD[Ala1446Thr]DLSQEPHLF

ClinVar aggregate classification (germline): Uncertain significance (1 of 4 stars; one submission).

Conditions:
Fanconi anemia (FA). Also called: Fanconi's anemia. Identifiers: Orphanet 84, MedGen C0015625, MeSH D005199, MONDO:0019391.

Allele frequency attached by ClinVar (database versions not stated): ExAC 0.00003; gnomAD 0.00003; TOPMed 0.00003.
gnomAD v4.1: 15 of 1,613,572 alleles (0.00093%); highest among the groups gnomAD compares: South Asian, 0.0044%; no homozygotes.

Submission:

Labcorp Genetics (formerly Invitae), Labcorp
Classification: Uncertain significance for Fanconi anemia. Last evaluated: 2022-08-10. Review status: criteria provided, single submitter. Criteria: Invitae Variant Classification Sherloc (09022015). Collection method: clinical testing. Allele origin: germline.
Comment: This sequence change replaces alanine, which is neutral and non-polar, with threonine, which is neutral and polar, at codon 1446 of the FANCA protein (p.Ala1446Thr). This variant is present in population databases (rs772505725, gnomAD 0.02%). This variant has not been reported in the literature in individuals affected with FANCA-related conditions. Advanced modeling of protein sequence and biophysical properties (such as structural, functional, and spatial information, amino acid conservation, physicochemical variation, residue mobility, and thermodynamic stability) performed at Invitae indicates that this missense variant is not expected to disrupt FANCA protein function. In summary, the available evidence is currently insufficient to determine the role of this variant in disease. Therefore, it has been classified as a Variant of Uncertain Significance.